The following is an entry in ClinVar:

NM_002528.7(NTHL1):c.366C>A (p.Tyr122Ter)

Gene: NTHL1 (nth like DNA glycosylase 1; minus strand). Cytogenetic location: 16p13.3.
Variant type: single nucleotide variant.
Coding change: c.366C>A on transcript NM_002528.7 (MANE Select); coding-DNA position 366, C replaced by A.
Protein change: p.Tyr122Ter; replaces tyrosine 122 with a stop codon.
Molecular consequence: nonsense. On other transcripts: intron variant (1).
Genome position (GRCh38, 1-based): chr16:2,044,789, G>T on the plus strand (C>A on the coding strand, the complement: NTHL1 is on the minus strand). VCF-style: chr16-2044789-G-T. GRCh37 (hg19) VCF-style: chr16-2094790-G-T.
Other names: c.36C>A, p.Tyr12Ter (NM_001318194.2); c.355-1063C>A (NM_001318193.2); c.366C>A, p.Tyr122Ter (LRG_1366t1); short protein forms Y12*, Y122*.
Identifiers: ClinVar variation 644578 (VCV000644578.24), dbSNP rs371328106, ClinGen allele CA7828275.

ClinVar aggregate classification (germline): Pathogenic. Review status: criteria provided, multiple submitters, no conflicts (2 of 4 stars). 5 submissions from 5 submitters: Pathogenic (5). Last evaluated 2025-12-21.

Conditions:
Familial adenomatous polyposis 3. Also called: NTHL1-associated polyposis; NTHL1-related attenuated familial adenomatous polyposis; NTHL1-Related Adenomatous Polyposis and Colorectal Cancer; NTHL1 Tumor Syndrome. Identifiers: Orphanet 220460, Orphanet 454840, MedGen C4225157, MONDO:0014630, OMIM 616415.
Hereditary cancer-predisposing syndrome. Also called: Neoplastic Syndromes, Hereditary; Hereditary Cancer Syndrome; Tumor predisposition; Hereditary neoplastic syndrome. Identifiers: Orphanet 140162, MedGen C0027672, MeSH D009386, MONDO:0015356.

Allele frequency attached by ClinVar (database versions not stated): ExAC 0.00001; gnomAD exomes 0.00002; TOPMed 0.00002; gnomAD 0.00003; ESP Exome Variant Server 0.00008.
gnomAD v4.1: 119 of 1,604,178 alleles (0.0074%); highest among the groups gnomAD compares: Non-Finnish European, 0.01%; no homozygotes.

Submissions (5):

Labcorp Genetics (formerly Invitae), Labcorp
Classification: Pathogenic. Last evaluated: 2025-12-21. Review status: criteria provided, single submitter. Criteria: Invitae Variant Classification Sherloc (09022015). Collection method: clinical testing. Allele origin: germline.
Comment: This sequence change creates a premature translational stop signal (p.Tyr130*) in the NTHL1 gene. It is expected to result in an absent or disrupted protein product. Loss-of-function variants in NTHL1 are known to be pathogenic (PMID: 25938944, 26559593). This variant is present in population databases (rs371328106, gnomAD 0.004%). This variant has not been reported in the literature in individuals affected with NTHL1-related conditions. ClinVar contains an entry for this variant (Variation ID: 644578). RNA analysis performed to evaluate the impact of this premature translational stop signal on mRNA splicing indicates it does not significantly alter splicing (internal data). For these reasons, this variant has been classified as Pathogenic.

Ambry Genetics
Classification: Pathogenic for Hereditary cancer-predisposing syndrome. Last evaluated: 2025-02-14. Review status: criteria provided, single submitter. Criteria: Ambry Variant Classification Scheme 2023. Collection method: clinical testing. Allele origin: germline.
Comment: The p.Y130* pathogenic mutation (also known as c.390C>A), located in coding exon 3 of the NTHL1 gene, results from a C to A substitution at nucleotide position 390. This changes the amino acid from a tyrosine to a stop codon within coding exon 3. This alteration is expected to result in loss of function by premature protein truncation or nonsense-mediated mRNA decay. As such, this alteration is interpreted as a disease-causing mutation.

Baylor Genetics
Classification: Pathogenic for Familial adenomatous polyposis 3. Last evaluated: 2024-03-24. Review status: criteria provided, single submitter. Criteria: ACMG Guidelines, 2015. Collection method: clinical testing. Allele origin: unknown.

Myriad Genetics, Inc.
Classification: Pathogenic for Familial adenomatous polyposis 3. Last evaluated: 2023-09-05. Review status: criteria provided, single submitter. Criteria: Myriad Autosomal Dominant, Autosomal Recessive and X-Linked Classification Criteria (2023). Collection method: clinical testing. Allele origin: unknown.
Comment: This variant is considered pathogenic. This variant creates a termination codon and is predicted to result in premature protein truncation.

GeneDx
Classification: Pathogenic. Last evaluated: 2023-08-15. Review status: criteria provided, single submitter. Criteria: GeneDx Variant Classification Process June 2021. Collection method: clinical testing. Allele origin: germline. Affected: yes.
Comment: Nonsense variant predicted to result in protein truncation or nonsense mediated decay in a gene for which loss of function is a known mechanism of disease; Not observed at significant frequency in large population cohorts (gnomAD); Published functional studies demonstrate a damaging affect: defective DNA repair activity and mutation suppression (Shinmura et al., 2019); This variant is associated with the following publications: (PMID: 31243857, 25938944, 26559593, 33980861, 30753826, 36196035, 30552997)

Literature cited by the submitters: PubMed 25938944 (cited by Labcorp Genetics (formerly Invitae), Labcorp); PubMed 26559593 (cited by Labcorp Genetics (formerly Invitae), Labcorp).